The following is an entry in ClinVar:

ClinVar aggregate classification (germline): Likely benign. Review status: criteria provided, multiple submitters, no conflicts (2 of 4 stars). 2 submissions from 2 submitters: Likely benign (2). Last evaluated 2026-06-16.

Conditions:
NBAS-related disorder. Also called: NBAS-related condition.

Allele frequency attached by ClinVar (database versions not stated): gnomAD 0.00007; gnomAD exomes 0.00007 and 0.00012; ExAC 0.00019; 1000 Genomes Project 0.00020; 1000 Genomes Project 30x 0.00031.
gnomAD v4.1: 112 of 1,613,948 alleles (0.0069%); highest among the groups gnomAD compares: South Asian, 0.12%; 1 homozygote.

Submissions (2):

PreventionGenetics, part of Exact Sciences
Classification: Likely benign for NBAS-related condition. Last evaluated: 2026-06-16. Review status: criteria provided, single submitter. Criteria: ACMG Guidelines, 2015. Collection method: clinical testing. Allele origin: germline.
Comment: This variant is classified as likely benign based on ACMG/AMP sequence variant interpretation guidelines (Richards et al. 2015 PMID: 25741868, with internal and published modifications).

Labcorp Genetics (formerly Invitae), Labcorp
Classification: Likely benign. Last evaluated: 2026-01-20. Review status: criteria provided, single submitter. Criteria: Invitae Variant Classification Sherloc (09022015). Collection method: clinical testing. Allele origin: germline.

NM_015909.4(NBAS):c.4197A>G (p.Pro1399=)

Gene: NBAS (NBAS subunit of NRZ tethering complex; minus strand). Cytogenetic location: 2p24.3.
Variant type: single nucleotide variant.
Coding change: c.4197A>G on transcript NM_015909.4 (MANE Select); coding-DNA position 4197, A replaced by G.
Protein change: p.Pro1399=; no amino-acid change (proline 1399 retained).
Molecular consequence: synonymous variant. On other transcripts: non-coding transcript variant (1).
Genome position (GRCh38, 1-based): chr2:15,330,748, T>C on the plus strand (A>G on the coding strand, the complement: NBAS is on the minus strand). VCF-style: chr2-15330748-T-C. GRCh37 (hg19) VCF-style: chr2-15470872-T-C.
Other names: c.4197A>G (NM_015909.3).
Identifiers: ClinVar variation 1644513 (VCV001644513.9), dbSNP rs552136548, ClinGen allele CA1535746.